The following is an entry in ClinVar:

ClinVar aggregate classification (germline): Likely pathogenic (1 of 4 stars; one submission).

Conditions:
Aortic aneurysm, familial thoracic 7 (AAT7). Also called: AORTIC DISSECTION, FAMILIAL, WITH OR WITHOUT AORTIC ANEURYSM. Identifiers: MedGen C3151077, MONDO:0013418, OMIM 613780.

Submission:

Human Genome Sequencing Center Clinical Lab, Baylor College of Medicine
Classification: Likely pathogenic for Aortic aneurysm, familial thoracic 7. Last evaluated: 2019-12-13. Review status: criteria provided, single submitter. Criteria: ACMG Guidelines, 2015. Collection method: clinical testing. Allele origin: unknown.
Comment: This c.2390+1G>C variant in intron 16 of the MYLK gene disrupts the canonical splice site and is predicted to result in abnormal splicing of MYLK mRNA, likely resulting in an abnormal protein product. This variant is absent from general population databases (gnomAD). Loss-of-function variants in MYLK have been described in individuals with familial thoracic aortic aneurysms and dissections (PMID: 21055718, ClinVar). In addition, a different variant in the same canonical splice site, c.2390+2T>C, is classified as likely pathogenic in ClinVar (RCV000615028). Therefore, this c.2390+1G>C variant in the MYLK gene is classified as likely pathogenic.

NM_053025.4(MYLK):c.2390+1G>C

Gene: MYLK (myosin light chain kinase; minus strand). Cytogenetic location: 3q21.1.
Variant type: single nucleotide variant.
Coding change: c.2390+1G>C on transcript NM_053025.4 (MANE Select); the canonical splice donor site of the intron after coding-DNA position 2390, G replaced by C.
Molecular consequence: splice donor variant.
Genome position (GRCh38, 1-based): chr3:123,707,753, C>G on the plus strand (G>C on the coding strand, the complement: MYLK is on the minus strand). VCF-style: chr3-123707753-C-G. GRCh37 (hg19) VCF-style: chr3-123426600-C-G.
Other names: c.1862+1G>C (NM_001321309.2); c.2183+1G>C (NM_053028.4, NM_053026.4); c.2390+1G>C (NM_053027.4).
Identifiers: ClinVar variation 979076 (VCV000979076.2), dbSNP rs762794821, ClinGen allele CA354233509.